The following is an entry in ClinVar:

NM_006939.4(SOS2):c.679G>A (p.Ala227Thr)

Gene: SOS2 (SOS Ras/Rho guanine nucleotide exchange factor 2; minus strand). Cytogenetic location: 14q21.3.
Variant type: single nucleotide variant.
Coding change: c.679G>A on transcript NM_006939.4 (MANE Select); coding-DNA position 679, G replaced by A.
Protein change: p.Ala227Thr; replaces alanine 227 with threonine.
Molecular consequence: missense variant.
Genome position (GRCh38, 1-based): chr14:50,188,532, C>T on the plus strand (G>A on the coding strand, the complement: SOS2 is on the minus strand). VCF-style: chr14-50188532-C-T. GRCh37 (hg19) VCF-style: chr14-50655250-C-T.
Other names: c.679G>A, p.Ala227Thr (NM_001411020.1); c.679G>A (NM_006939.2); short protein forms A227T.
Identifiers: ClinVar variation 3636093 (VCV003636093.3).

ClinVar aggregate classification (germline): Conflicting classifications of pathogenicity. Review status: criteria provided, conflicting classifications (1 of 4 stars). 2 submissions from 2 submitters: Uncertain significance (1); Likely benign (1). Last evaluated 2025-07-30.

Conditions:
Cardiovascular phenotype. Identifiers: MedGen CN230736.
Noonan syndrome 9 (NS9). Identifiers: Orphanet 648, MedGen C4225282, MONDO:0014691, OMIM 616559.

gnomAD v4.1: 7 of 1,599,926 alleles (0.00044%); highest among the groups gnomAD compares: South Asian, 0.0011%; no homozygotes.

Submissions (2):

Ambry Genetics
Classification: Uncertain significance for Cardiovascular phenotype. Last evaluated: 2025-07-30. Review status: criteria provided, single submitter. Criteria: Ambry Variant Classification Scheme 2023. Collection method: clinical testing. Allele origin: germline.
Comment: The p.A227T variant (also known as c.679G>A), located in coding exon 5 of the SOS2 gene, results from a G to A substitution at nucleotide position 679. The alanine at codon 227 is replaced by threonine, an amino acid with similar properties. This amino acid position is conserved. In addition, this alteration is predicted to be tolerated by in silico analysis. Based on the available evidence, the clinical significance of this variant remains unclear.

Labcorp Genetics (formerly Invitae), Labcorp
Classification: Likely benign for Noonan syndrome 9. Last evaluated: 2024-12-03. Review status: criteria provided, single submitter. Criteria: Invitae Variant Classification Sherloc (09022015). Collection method: clinical testing. Allele origin: germline.